The following is an entry in ClinVar:

ClinVar aggregate classification (germline): Likely pathogenic (1 of 4 stars; one submission).

Conditions:
Adenosine kinase deficiency. Also called: Hypermethioninemia due to adenosine kinase deficiency; MENTAL RETARDATION, AUTOSOMAL RECESSIVE 8. Identifiers: Orphanet 289290, Orphanet 88616, MedGen C4706555, MONDO:0100255, OMIM 614300.

Submission:

Rady Children's Institute for Genomic Medicine, Rady Children's Hospital San Diego
Classification: Likely pathogenic for HYPERMETHIONINEMIA DUE TO ADENOSINE KINASE DEFICIENCY. Review status: criteria provided, single submitter. Criteria: ACMG Guidelines, 2015. Collection method: clinical testing. Allele origin: germline. Affected: yes.
Comment: This frameshifting variant in exon 8 of 12 introduces a premature stop codon and is therefore predicted to result in loss of normal protein function through either protein truncation or nonsense-mediated mRNA decay (NMD). This variant has not been previously reported or functionally characterized in the literature to our knowledge. It is absent from the gnomAD population database and thus is presumed to be rare. Based on the available evidence, the c.642_645del (p.Ser215HisfsTer12) variant is classified as Likely Pathogenic.

NM_006721.4(ADK):c.642_645del (p.Ser215fs)

Genes: ADK (adenosine kinase; plus strand), LOC102723439 (uncharacterized LOC102723439; minus strand). Cytogenetic location: 10q22.2.
Variant type: Microsatellite.
Coding change: c.642_645del on transcript NM_006721.4 (MANE Select); coding-DNA positions 642 to 645, 4 bases deleted (ATCT; older notation c.642_645delATCT).
Protein change: p.Ser215fs; shifts the reading frame from serine 215.
Molecular consequence: frameshift variant. On other transcripts: intron variant (2).
Genome position (GRCh38, 1-based): chr10:74,525,342-74,525,345, ATCT deleted; deleting any 4 consecutive bases within chr10:74,525,338-74,525,345 gives the same sequence; the c. name uses the placement nearest the transcript's 3' end. VCF-style (leftmost placement, unchanged base first): chr10-74525337-AATCT-A. GRCh37 (hg19) VCF-style: chr10-76285095-AATCT-A.
Other names: c.591_594del, p.Ser198fs (NM_001123.4); c.537_540del, p.Ser180fs (NM_001202449.2); c.642_645del, p.Ser215fs (NM_001369123.1); c.556-63940_556-63937del (NM_001202450.2); c.505-63940_505-63937del (NM_001369124.1); short protein forms S180fs, S198fs, S215fs.
Identifiers: ClinVar variation 2584480 (VCV002584480.1), dbSNP rs2548024083, ClinGen allele CA2582342700.